The following is an entry in ClinVar:

ClinVar aggregate classification (germline): Uncertain significance (1 of 4 stars; one submission).

Submission:

Ambry Genetics
Classification: Uncertain significance. Last evaluated: 2023-03-08. Review status: criteria provided, single submitter. Criteria: Ambry Variant Classification Scheme 2023. Collection method: clinical testing. Allele origin: germline.
Comment: The p.M103K variant (also known as c.308T>A), located in coding exon 1 of the MLH3 gene, results from a T to A substitution at nucleotide position 308. The methionine at codon 103 is replaced by lysine, an amino acid with similar properties. This amino acid position is conserved. In addition, this alteration is predicted to be deleterious by in silico analysis. Since supporting evidence is limited at this time, the clinical significance of this alteration remains unclear.

NM_001040108.2(MLH3):c.308T>A (p.Met103Lys)

Gene: MLH3 (mutL homolog 3; minus strand). Cytogenetic location: 14q24.3.
Variant type: single nucleotide variant.
Coding change: c.308T>A on transcript NM_001040108.2 (MANE Select); coding-DNA position 308, T replaced by A.
Protein change: p.Met103Lys; replaces methionine 103 with lysine.
Molecular consequence: missense variant.
Genome position (GRCh38, 1-based): chr14:75,049,348, A>T on the plus strand (T>A on the coding strand, the complement: MLH3 is on the minus strand). VCF-style: chr14-75049348-A-T. GRCh37 (hg19) VCF-style: chr14-75516051-A-T.
Other names: c.308T>A, p.Met103Lys (NM_014381.3); short protein forms M103K.
Identifiers: ClinVar variation 2448686 (VCV002448686.2), dbSNP rs1406821612, ClinGen allele CA390451040.